The following is an entry in ClinVar:

ClinVar aggregate classification (germline): Uncertain significance (1 of 4 stars; one submission).

Conditions:
Inborn genetic diseases. Identifiers: MedGen C0950123, MeSH D030342.

Submission:

Ambry Genetics
Classification: Uncertain significance for Inborn genetic diseases. Last evaluated: 2026-01-04. Review status: criteria provided, single submitter. Criteria: Ambry Variant Classification Scheme 2023. Collection method: clinical testing. Allele origin: germline.
Comment: The p.N202S variant (also known as c.605A>G), located in coding exon 5 of the BMPR2 gene, results from an A to G substitution at nucleotide position 605. The asparagine at codon 202 is replaced by serine, an amino acid with highly similar properties. This amino acid position is conserved. In addition, this alteration is predicted to be tolerated by in silico analysis. Based on the available evidence, the clinical significance of this variant remains unclear.

NM_001204.7(BMPR2):c.605A>G (p.Asn202Ser)

Gene: BMPR2 (bone morphogenetic protein receptor type 2; plus strand). Cytogenetic location: 2q33.2.
Variant type: single nucleotide variant.
Coding change: c.605A>G on transcript NM_001204.7 (MANE Select); coding-DNA position 605, A replaced by G.
Protein change: p.Asn202Ser; replaces asparagine 202 with serine.
Molecular consequence: missense variant.
Genome position (GRCh38, 1-based): chr2:202,514,963, A>G. VCF-style: chr2-202514963-A-G. GRCh37 (hg19) VCF-style: chr2-203379686-A-G.
Other names: short protein forms N202S.
Identifiers: ClinVar variation 4843375 (VCV004843375.1).